The following is an entry in ClinVar:

NM_022367.4(SEMA4A):c.256G>A (p.Ala86Thr)

Gene: SEMA4A (semaphorin 4A; plus strand). Cytogenetic location: 1q22.
Variant type: single nucleotide variant.
Coding change: c.256G>A on transcript NM_022367.4 (MANE Select); coding-DNA position 256, G replaced by A.
Protein change: p.Ala86Thr; replaces alanine 86 with threonine.
Molecular consequence: missense variant. On other transcripts: 5 prime UTR variant (4).
Genome position (GRCh38, 1-based): chr1:156,156,530, G>A. VCF-style: chr1-156156530-G-A. GRCh37 (hg19) VCF-style: chr1-156126321-G-A.
Other names: c.256G>A, p.Ala86Thr (NM_001193300.2, NM_001193301.2, NM_001370567.1); c.-42G>A (NM_001193302.2, NM_001370568.1); c.-269G>A (NM_001370569.1, NM_001370571.1); short protein forms A86T.
Identifiers: ClinVar variation 2016082 (VCV002016082.4), dbSNP rs768422312, ClinGen allele CA342834694.
Genomic context (GRCh38, chr1:156,156,530, plus strand): 5'-ACTCTGCTCCTGAGTGGTGATGGAAATACTCTCTACGTGGGGGCTCGAGAAGCCATTCTG[G>A]CCTTGGATATCCAGGATCCAGGGGTCCCCAGGCTAAAGAACATGGTGAGGAGTCCAGGGA-3'
Protein context (NP_071762.2, residues 76-96): LYVGAREAIL[Ala86Thr]LDIQDPGVPR

ClinVar aggregate classification (germline): Uncertain significance (1 of 4 stars; one submission).

Submission:

Labcorp Genetics (formerly Invitae), Labcorp
Classification: Uncertain significance. Last evaluated: 2022-07-11. Review status: criteria provided, single submitter. Criteria: Invitae Variant Classification Sherloc (09022015). Collection method: clinical testing. Allele origin: germline.
Comment: In summary, the available evidence is currently insufficient to determine the role of this variant in disease. Therefore, it has been classified as a Variant of Uncertain Significance. Algorithms developed to predict the effect of missense changes on protein structure and function are either unavailable or do not agree on the potential impact of this missense change (SIFT: "Tolerated"; PolyPhen-2: "Probably Damaging"; Align-GVGD: "Class C0"). This variant has not been reported in the literature in individuals affected with SEMA4A-related conditions. This variant is not present in population databases (gnomAD no frequency). This sequence change replaces alanine, which is neutral and non-polar, with threonine, which is neutral and polar, at codon 86 of the SEMA4A protein (p.Ala86Thr).